The following is an entry in ClinVar:

ClinVar aggregate classification (germline): Conflicting classifications of pathogenicity. Review status: criteria provided, conflicting classifications (1 of 4 stars). 2 submissions from 2 submitters: Uncertain significance (1); Likely benign (1). Last evaluated 2025-04-25.

Conditions:
SYNM-related disorder. Also called: SYNM-related condition.

gnomAD v4.1: 1 of 1,613,816 alleles (0.000062%); highest among the groups gnomAD compares: Non-Finnish European, 0.000085%; no homozygotes.

Submissions (2):

Ambry Genetics
Classification: Uncertain significance. Last evaluated: 2025-04-25. Review status: criteria provided, single submitter. Criteria: Ambry Variant Classification Scheme 2023. Collection method: clinical testing. Allele origin: germline.

PreventionGenetics, part of Exact Sciences
Classification: Likely benign for SYNM-related condition. Last evaluated: 2020-04-27. Review status: criteria provided, single submitter. Criteria: ACMG Guidelines, 2015. Collection method: clinical testing. Allele origin: germline.
Comment: This variant is classified as likely benign based on ACMG/AMP sequence variant interpretation guidelines (Richards et al. 2015 PMID: 25741868, with internal and published modifications).

NM_145728.3(SYNM):c.2096C>T (p.Ser699Phe)

Gene: SYNM (synemin; plus strand). Cytogenetic location: 15q26.3.
Variant type: single nucleotide variant.
Coding change: c.2096C>T on transcript NM_145728.3 (MANE Select); coding-DNA position 2096, C replaced by T.
Protein change: p.Ser699Phe; replaces serine 699 with phenylalanine.
Molecular consequence: missense variant.
Genome position (GRCh38, 1-based): chr15:99,130,456, C>T. VCF-style: chr15-99130456-C-T. GRCh37 (hg19) VCF-style: chr15-99670661-C-T.
Other names: c.2096C>T, p.Ser699Phe (NM_015286.6); short protein forms S699F.
Identifiers: ClinVar variation 2458860 (VCV002458860.4), dbSNP rs1555485607, ClinGen allele CA393659428.
Genomic context (GRCh38, chr15:99,130,456, plus strand): 5'-AAAGGAAAACAAAGACTGAAATAGTTGTGGAGTCTAAACTGACTGAGGATGTTGATGTTT[C>T]CGATGAAGCTGGCCTGGACTACCTTTTAAGCAAGGATATTAAGGAAGTGGGGCTGAAAGG-3'
Protein context (NP_663780.2, residues 689-709): ESKLTEDVDV[Ser699Phe]DEAGLDYLLS